The following is an entry in ClinVar:

ClinVar aggregate classification (germline): Likely benign (0 of 4 stars; one submission).

Conditions:
KNL1-related disorder. Also called: KNL1-related condition.

Allele frequency attached by ClinVar (database versions not stated): gnomAD 0.00007; gnomAD exomes 0.00013; ExAC 0.00032.
gnomAD v4.1: 201 of 1,612,922 alleles (0.012%); highest among the groups gnomAD compares: South Asian, 0.22%; 2 homozygotes.

Submission:

PreventionGenetics, part of Exact Sciences
Classification: Likely benign for KNL1-related condition. Last evaluated: 2019-11-05. Review status: no assertion criteria provided. Collection method: clinical testing. Allele origin: germline.
Comment: This variant is classified as likely benign based on ACMG/AMP sequence variant interpretation guidelines (Richards et al. 2015 PMID: 25741868, with internal and published modifications).

NM_144508.5(KNL1):c.1398A>C (p.Pro466=)

Gene: KNL1 (kinetochore scaffold 1; plus strand). Cytogenetic location: 15q15.1.
Variant type: single nucleotide variant.
Coding change: c.1398A>C on transcript NM_144508.5 (MANE Select); coding-DNA position 1398, A replaced by C.
Protein change: p.Pro466=; no amino-acid change (proline 466 retained).
Molecular consequence: synonymous variant.
Genome position (GRCh38, 1-based): chr15:40,621,662, A>C. VCF-style: chr15-40621662-A-C. GRCh37 (hg19) VCF-style: chr15-40913860-A-C.
Other names: c.1476A>C, p.Pro492= (NM_170589.5).
Identifiers: ClinVar variation 3045747 (VCV003045747.2), dbSNP rs772115416, ClinGen allele CA7482660.